The following is an entry in ClinVar:

NM_001377448.1(BAHCC1):c.3359T>C (p.Leu1120Pro)

Gene: BAHCC1 (BAH domain and coiled-coil containing 1; plus strand). Cytogenetic location: 17q25.3.
Variant type: single nucleotide variant.
Coding change: c.3359T>C on transcript NM_001377448.1 (MANE Select); coding-DNA position 3359, T replaced by C.
Protein change: p.Leu1120Pro; replaces leucine 1120 with proline.
Molecular consequence: missense variant.
Genome position (GRCh38, 1-based): chr17:81,447,231, T>C. VCF-style: chr17-81447231-T-C. GRCh37 (hg19) VCF-style: chr17-79414257-T-C.
Other names: c.3452T>C, p.Leu1151Pro (NM_001291324.3); short protein forms L1120P, L1151P.
Identifiers: ClinVar variation 3025095 (VCV003025095.22), dbSNP rs191224872, ClinGen allele CA8834148.

ClinVar aggregate classification (germline): Likely benign (1 of 4 stars; one submission).

Allele frequency attached by ClinVar (database versions not stated): ESP Exome Variant Server 0.00144; 1000 Genomes Project 30x 0.00297; 1000 Genomes Project 0.00339.
gnomAD v4.1: 3,142 of 730,508 alleles (0.43%); highest among the groups gnomAD compares: Non-Finnish European, 0.26%; 23 homozygotes.

Submission:

CeGaT Center for Human Genetics Tuebingen
Classification: Likely benign. Last evaluated: 2023-12-01. Review status: criteria provided, single submitter. Criteria: CeGaT Center For Human Genetics Tuebingen Variant Classification Criteria Version 2. Collection method: clinical testing. Allele origin: germline. Affected: yes. Observed: 1 variant allele.
Comment: BAHCC1: BP4